The following is an entry in ClinVar:

ClinVar aggregate classification (germline): Uncertain significance (1 of 4 stars; one submission).

Conditions:
ALMS1-related disorder. Also called: ALMS1-related condition.

Submission:

PreventionGenetics, part of Exact Sciences
Classification: Uncertain significance for ALMS1-related condition. Last evaluated: 2023-09-27. Review status: criteria provided, single submitter. Criteria: ACMG Guidelines, 2015. Collection method: clinical testing. Allele origin: germline.
Comment: The ALMS1 c.7684C>A variant is predicted to result in the amino acid substitution p.Pro2562Thr. To our knowledge, this variant has not been reported in the literature or in a large population database, indicating this variant is rare. At this time, the clinical significance of this variant is uncertain due to the absence of conclusive functional and genetic evidence.

NM_001378454.1(ALMS1):c.7681C>A (p.Gln2561Lys)

Gene: ALMS1 (ALMS1 centrosome and basal body associated protein; plus strand). Cytogenetic location: 2p13.1.
Variant type: single nucleotide variant.
Coding change: c.7681C>A on transcript NM_001378454.1 (MANE Select); coding-DNA position 7681, C replaced by A.
Protein change: p.Gln2561Lys; replaces glutamine 2561 with lysine.
Molecular consequence: missense variant.
Genome position (GRCh38, 1-based): chr2:73,489,640, C>A. VCF-style: chr2-73489640-C-A. GRCh37 (hg19) VCF-style: chr2-73716767-C-A.
Other names: c.7684C>A, p.Gln2562Lys (NM_015120.4); short protein forms Q2561K, Q2562K.
Identifiers: ClinVar variation 2636906 (VCV002636906.1), dbSNP rs2466212005, ClinGen allele CA347263839.